The following is an entry in ClinVar:

NM_001254.4(CDC6):c.487G>T (p.Val163Phe)

Gene: CDC6 (cell division cycle 6; plus strand). Cytogenetic location: 17q21.2.
Variant type: single nucleotide variant.
Coding change: c.487G>T on transcript NM_001254.4 (MANE Select); coding-DNA position 487, G replaced by T.
Protein change: p.Val163Phe; replaces valine 163 with phenylalanine.
Molecular consequence: missense variant.
Genome position (GRCh38, 1-based): chr17:40,291,495, G>T. VCF-style: chr17-40291495-G-T. GRCh37 (hg19) VCF-style: chr17-38447747-G-T.
Other names: short protein forms V163F.
Identifiers: ClinVar variation 2904633 (VCV002904633.3), dbSNP rs764916671, ClinGen allele CA8541894.

ClinVar aggregate classification (germline): Uncertain significance (1 of 4 stars; one submission).

Allele frequency attached by ClinVar (database versions not stated): ExAC 0.00001; TOPMed 0.00001.

Submission:

Labcorp Genetics (formerly Invitae), Labcorp
Classification: Uncertain significance. Last evaluated: 2025-09-15. Review status: criteria provided, single submitter. Criteria: Invitae Variant Classification Sherloc (09022015). Collection method: clinical testing. Allele origin: germline.
Comment: This sequence change replaces valine, which is neutral and non-polar, with phenylalanine, which is neutral and non-polar, at codon 163 of the CDC6 protein (p.Val163Phe). This variant is present in population databases (rs764916671, gnomAD 0.02%). This variant has not been reported in the literature in individuals affected with CDC6-related conditions. ClinVar contains an entry for this variant (Variation ID: 2904633). An algorithm developed to predict the effect of missense changes on protein structure and function (PolyPhen-2) suggests that this variant is likely to be tolerated. In summary, the available evidence is currently insufficient to determine the role of this variant in disease. Therefore, it has been classified as a Variant of Uncertain Significance.